The following is an entry in ClinVar:

NM_018026.4(PACS1):c.2512G>A (p.Gly838Ser)

Gene: PACS1 (phosphofurin acidic cluster sorting protein 1; plus strand). Cytogenetic location: 11q13.2.
Variant type: single nucleotide variant.
Coding change: c.2512G>A on transcript NM_018026.4 (MANE Select); coding-DNA position 2512, G replaced by A.
Protein change: p.Gly838Ser; replaces glycine 838 with serine.
Molecular consequence: missense variant.
Genome position (GRCh38, 1-based): chr11:66,241,509, G>A. VCF-style: chr11-66241509-G-A. GRCh37 (hg19) VCF-style: chr11-66008980-G-A.
Other names: short protein forms G838S.
Identifiers: ClinVar variation 3390768 (VCV003390768.1).

ClinVar aggregate classification (germline): Uncertain significance (1 of 4 stars; one submission).

gnomAD v4.1: 2 of 1,614,090 alleles (0.00012%); highest among the groups gnomAD compares: Middle Eastern, 0.017%; no homozygotes.

Submission:

GeneDx
Classification: Uncertain significance. Last evaluated: 2024-06-13. Review status: criteria provided, single submitter. Criteria: GeneDx Variant Classification Process June 2021. Collection method: clinical testing. Allele origin: germline. Affected: yes.
Comment: Not observed at significant frequency in large population cohorts (gnomAD); In silico analysis indicates that this missense variant does not alter protein structure/function; Has not been previously published as pathogenic or benign to our knowledge